The following is an entry in ClinVar:

ClinVar aggregate classification (germline): Uncertain significance (1 of 4 stars; one submission).

Conditions:
Pitt-Hopkins-like syndrome 2 (PTHSL2). Identifiers: Orphanet 221150, Orphanet 600663, MedGen C3280479, MONDO:0013690, OMIM 614325.

Submission:

Labcorp Genetics (formerly Invitae), Labcorp
Classification: Uncertain significance for Pitt-Hopkins-like syndrome 2. Last evaluated: 2025-02-04. Review status: criteria provided, single submitter. Criteria: Invitae Variant Classification Sherloc (09022015). Collection method: clinical testing. Allele origin: germline.
Comment: This sequence change replaces methionine, which is neutral and non-polar, with isoleucine, which is neutral and non-polar, at codon 796 of the NRXN1 protein (p.Met796Ile). This variant is not present in population databases (gnomAD no frequency). This variant has not been reported in the literature in individuals affected with NRXN1-related conditions. This variant is also known as M756I. An algorithm developed to predict the effect of missense changes on protein structure and function (PolyPhen-2) suggests that this variant is likely to be tolerated. Experimental studies have shown that this missense change does not substantially affect NRXN1 function (PMID: 32942984). In summary, the available evidence is currently insufficient to determine the role of this variant in disease. Therefore, it has been classified as a Variant of Uncertain Significance.

Literature cited by the submitters: PubMed 32942984.

NM_001330078.2(NRXN1):c.2268G>T (p.Met756Ile)

Gene: NRXN1 (neurexin 1; minus strand). Cytogenetic location: 2p16.3.
Variant type: single nucleotide variant.
Coding change: c.2268G>T on transcript NM_001330078.2 (MANE Select); coding-DNA position 2268, G replaced by T.
Protein change: p.Met756Ile; replaces methionine 756 with isoleucine.
Molecular consequence: missense variant.
Genome position (GRCh38, 1-based): chr2:50,531,306, C>A on the plus strand (G>T on the coding strand, the complement: NRXN1 is on the minus strand). VCF-style: chr2-50531306-C-A. GRCh37 (hg19) VCF-style: chr2-50758444-C-A.
Other names: c.2268G>T, p.Met756Ile (NM_001330086.2, NM_004801.6, NM_001330085.2); c.2184G>T, p.Met728Ile (NM_001330087.2, NM_001330096.2); c.2214G>T, p.Met738Ile (NM_001330088.2); c.2265G>T, p.Met755Ile (NM_001330093.2); c.2256G>T, p.Met752Ile (NM_001330094.2); c.2244G>T, p.Met748Ile (NM_001330095.2, NM_001330077.2, NM_001330082.2); c.2229G>T, p.Met743Ile (NM_001330083.2, NM_001330084.2); c.2388G>T, p.Met796Ile (NM_001135659.3); short protein forms M756I, M796I, M728I, M743I, M752I, M755I, M748I, M738I.
Identifiers: ClinVar variation 3726868 (VCV003726868.2).